The following is an entry in ClinVar:

NM_002232.5(KCNA3):c.341G>C (p.Arg114Pro)

Gene: KCNA3 (potassium voltage-gated channel subfamily A member 3; minus strand). Cytogenetic location: 1p13.3.
Variant type: single nucleotide variant.
Coding change: c.341G>C on transcript NM_002232.5 (MANE Select); coding-DNA position 341, G replaced by C.
Protein change: p.Arg114Pro; replaces arginine 114 with proline.
Molecular consequence: missense variant.
Genome position (GRCh38, 1-based): chr1:110,674,469, C>G on the plus strand (G>C on the coding strand, the complement: KCNA3 is on the minus strand). VCF-style: chr1-110674469-C-G. GRCh37 (hg19) VCF-style: chr1-111217091-C-G.
Other names: short protein forms R114P.
Identifiers: ClinVar variation 4885178 (VCV004885178.2).

ClinVar aggregate classification (germline): Uncertain significance (1 of 4 stars; one submission).

Submission:

Dasa
Classification: Uncertain significance. Last evaluated: 2024-11-19. Review status: criteria provided, single submitter. Criteria: DASA Assertion Criteria. Collection method: clinical testing. Allele origin: germline.
Comment: NM_002232.5(KCNA3):c.341G>C (p.Arg114Pro) is a missense variant that results in the substitution of arginine with proline. This variant is rare in population databases. Computational prediction algorithms are consistent with a deleterious effect. The currently available literature and clinical evidence are not sufficient to establish a definitive association between this variant and the reported condition. Therefore, this variant is classified as a variant of uncertain significance.